The following is an entry in ClinVar:

ClinVar aggregate classification (germline): Uncertain significance (1 of 4 stars; one submission).

Allele frequency attached by ClinVar (database versions not stated): gnomAD exomes below 0.00001.
gnomAD v4.1: 2 of 1,602,970 alleles (0.00012%); highest among the groups gnomAD compares: Non-Finnish European, 0.00017%; no homozygotes.

Submission:

Labcorp Genetics (formerly Invitae), Labcorp
Classification: Uncertain significance. Last evaluated: 2024-02-26. Review status: criteria provided, single submitter. Criteria: Invitae Variant Classification Sherloc (09022015). Collection method: clinical testing. Allele origin: germline.
Comment: This sequence change affects codon 413 of the FAR1 mRNA. It is a 'silent' change, meaning that it does not change the encoded amino acid sequence of the FAR1 protein. This variant is not present in population databases (gnomAD no frequency). This variant has not been reported in the literature in individuals affected with FAR1-related conditions. Algorithms developed to predict the effect of sequence changes on RNA splicing suggest that this variant may disrupt the consensus splice site. In summary, the available evidence is currently insufficient to determine the role of this variant in disease. Therefore, it has been classified as a Variant of Uncertain Significance.

NM_032228.6(FAR1):c.1237C>T (p.Leu413=)

Gene: FAR1 (fatty acyl-CoA reductase 1; plus strand). Cytogenetic location: 11p15.3.
Variant type: single nucleotide variant.
Coding change: c.1237C>T on transcript NM_032228.6 (MANE Select); coding-DNA position 1237, C replaced by T.
Protein change: p.Leu413=; no amino-acid change (leucine 413 retained).
Molecular consequence: synonymous variant.
Genome position (GRCh38, 1-based): chr11:13,721,839, C>T. VCF-style: chr11-13721839-C-T. GRCh37 (hg19) VCF-style: chr11-13743386-C-T.
Identifiers: ClinVar variation 2812271 (VCV002812271.3), dbSNP rs2500154247, ClinGen allele CA473226510.